The following is an entry in ClinVar:

ClinVar aggregate classification (germline): Likely benign. Review status: criteria provided, multiple submitters, no conflicts (2 of 4 stars). 2 submissions from 2 submitters: Likely benign (2). Last evaluated 2024-01-03.

Conditions:
Cortical dysplasia-focal epilepsy syndrome (PTHSL1). Also called: Pitt-Hopkins-like syndrome 1. Identifiers: Orphanet 163681, Orphanet 221150, MedGen C2750246, MONDO:0012400, OMIM 610042.

Allele frequency attached by ClinVar (database versions not stated): gnomAD 0.00001 and 0.00002; TOPMed 0.00002; gnomAD exomes 0.00003; ExAC 0.00004.
gnomAD v4.1: 35 of 1,613,196 alleles (0.0022%); highest among the groups gnomAD compares: Middle Eastern, 0.018%; no homozygotes.

Submissions (2):

Labcorp Genetics (formerly Invitae), Labcorp
Classification: Likely benign for Cortical dysplasia-focal epilepsy syndrome. Last evaluated: 2024-01-03. Review status: criteria provided, single submitter. Criteria: Invitae Variant Classification Sherloc (09022015). Collection method: clinical testing. Allele origin: germline.

GeneDx
Classification: Likely benign. Last evaluated: 2017-04-28. Review status: criteria provided, single submitter. Criteria: GeneDx Variant Classification (06012015). Collection method: clinical testing. Allele origin: germline. Affected: yes.
Comment: This variant is considered likely benign or benign based on one or more of the following criteria: it is a conservative change, it occurs at a poorly conserved position in the protein, it is predicted to be benign by multiple in silico algorithms, and/or has population frequency not consistent with disease.

NM_014141.6(CNTNAP2):c.755-4G>A

Gene: CNTNAP2 (contactin associated protein 2; plus strand). Cytogenetic location: 7q35.
Variant type: single nucleotide variant.
Coding change: c.755-4G>A on transcript NM_014141.6 (MANE Select); 4 bases into the intron before coding-DNA position 755, G replaced by A.
Molecular consequence: intron variant.
Genome position (GRCh38, 1-based): chr7:147,120,975, G>A. VCF-style: chr7-147120975-G-A. GRCh37 (hg19) VCF-style: chr7-146818067-G-A.
Identifiers: ClinVar variation 509247 (VCV000509247.12), dbSNP rs756256467, ClinGen allele CA4545892.